The following is an entry in ClinVar:

ClinVar aggregate classification (germline): Conflicting classifications of pathogenicity. Review status: criteria provided, conflicting classifications (1 of 4 stars). 2 submissions from 2 submitters: Uncertain significance (1); Likely benign (1). Last evaluated 2025-10-21.

Allele frequency attached by ClinVar (database versions not stated): gnomAD 0.00001.
gnomAD v4.1: 25 of 1,613,418 alleles (0.0015%); highest among the groups gnomAD compares: Middle Eastern, 0.016%; no homozygotes.

Submissions (2):

Labcorp Genetics (formerly Invitae), Labcorp
Classification: Uncertain significance. Last evaluated: 2025-10-21. Review status: criteria provided, single submitter. Criteria: Invitae Variant Classification Sherloc (09022015). Collection method: clinical testing. Allele origin: germline.
Comment: This sequence change replaces leucine, which is neutral and non-polar, with methionine, which is neutral and non-polar, at codon 3245 of the VCAN protein (p.Leu3245Met). This variant is present in population databases (rs751087760, gnomAD 0.003%). This variant has not been reported in the literature in individuals affected with VCAN-related conditions. ClinVar contains an entry for this variant (Variation ID: 955160). An algorithm developed to predict the effect of missense changes on protein structure and function (PolyPhen-2) suggests that this variant is likely to be disruptive. In summary, the available evidence is currently insufficient to determine the role of this variant in disease. Therefore, it has been classified as a Variant of Uncertain Significance.

Blueprint Genetics
Classification: Likely benign. Last evaluated: 2020-01-09. Review status: criteria provided, single submitter. Criteria: ACMG Guidelines, 2015. Collection method: clinical testing. Allele origin: germline.

NM_004385.5(VCAN):c.9733C>A (p.Leu3245Met)

Genes: VCAN (versican; plus strand), VCAN-AS1 (VCAN antisense RNA 1; minus strand), LOC126807443 (BRD4-independent group 4 enhancer GRCh37_chr5:82849966-82851165; plus strand). Cytogenetic location: 5q14.3.
Variant type: single nucleotide variant.
Coding change: c.9733C>A on transcript NM_004385.5 (MANE Select); coding-DNA position 9733, C replaced by A.
Protein change: p.Leu3245Met; replaces leucine 3245 with methionine.
Molecular consequence: missense variant.
Genome position (GRCh38, 1-based): chr5:83,555,036, C>A. VCF-style: chr5-83555036-C-A. GRCh37 (hg19) VCF-style: chr5-82850855-C-A.
Other names: c.1510C>A, p.Leu504Met (NM_001126336.3); c.6772C>A, p.Leu2258Met (NM_001164097.2); c.4471C>A, p.Leu1491Met (NM_001164098.2); short protein forms L1491M, L504M, L2258M, L3245M.
Identifiers: ClinVar variation 955160 (VCV000955160.9), dbSNP rs751087760, ClinGen allele CA3334075.